The following is an entry in ClinVar:

ClinVar aggregate classification (germline): Uncertain significance. Review status: criteria provided, multiple submitters, no conflicts (2 of 4 stars). 2 submissions from 2 submitters: Uncertain significance (2). Last evaluated 2022-08-31.

Conditions:
Inborn genetic diseases. Identifiers: MedGen C0950123, MeSH D030342.

Allele frequency attached by ClinVar (database versions not stated): ExAC 0.00001; gnomAD 0.00003; gnomAD exomes 0.00003 and 0.00009.

Submissions (2):

Labcorp Genetics (formerly Invitae), Labcorp
Classification: Uncertain significance. Last evaluated: 2022-08-31. Review status: criteria provided, single submitter. Criteria: Invitae Variant Classification Sherloc (09022015). Collection method: clinical testing. Allele origin: germline.
Comment: In summary, the available evidence is currently insufficient to determine the role of this variant in disease. Therefore, it has been classified as a Variant of Uncertain Significance. Algorithms developed to predict the effect of missense changes on protein structure and function output the following: SIFT: "Tolerated"; PolyPhen-2: "Benign"; Align-GVGD: "Class C0". The serine amino acid residue is found in multiple mammalian species, which suggests that this missense change does not adversely affect protein function. ClinVar contains an entry for this variant (Variation ID: 1387943). This variant has not been reported in the literature in individuals affected with RTN4IP1-related conditions. This variant is present in population databases (rs748829386, gnomAD 0.006%). This sequence change replaces proline, which is neutral and non-polar, with serine, which is neutral and polar, at codon 38 of the RTN4IP1 protein (p.Pro38Ser).

Ambry Genetics
Classification: Uncertain significance for Inborn genetic diseases. Last evaluated: 2021-09-15. Review status: criteria provided, single submitter. Criteria: Ambry Variant Classification Scheme 2023. Collection method: clinical testing. Allele origin: germline.

NM_032730.5(RTN4IP1):c.112C>T (p.Pro38Ser)

Gene: RTN4IP1 (reticulon 4 interacting protein 1; minus strand). Cytogenetic location: 6q21.
Variant type: single nucleotide variant.
Coding change: c.112C>T on transcript NM_032730.5 (MANE Select); coding-DNA position 112, C replaced by T.
Protein change: p.Pro38Ser; replaces proline 38 with serine.
Molecular consequence: missense variant. On other transcripts: intron variant (1).
Genome position (GRCh38, 1-based): chr6:106,628,910, G>A on the plus strand (C>T on the coding strand, the complement: RTN4IP1 is on the minus strand). VCF-style: chr6-106628910-G-A. GRCh37 (hg19) VCF-style: chr6-107076785-G-A.
Other names: c.-27+1417C>T (NM_001318746.1); c.112C>T (NM_032730.4); short protein forms P38S.
Identifiers: ClinVar variation 1387943 (VCV001387943.6), dbSNP rs748829386, ClinGen allele CA3944589.